The following is an entry in ClinVar:

ClinVar aggregate classification (germline): Uncertain significance (1 of 4 stars; one submission).

Conditions:
Salla disease (SD). Also called: Less Severe FSASD (Salla Disease); Sialuria, Finnish type; N-acetylneuraminic acid (NANA) storage disease (NSD); Infantile sialic acid storage disorder (ISSD). Identifiers: Orphanet 309334, Orphanet 834, MedGen C1096903, MONDO:0011449, OMIM 604369.

Submission:

Labcorp Genetics (formerly Invitae), Labcorp
Classification: Uncertain significance for Salla disease. Last evaluated: 2022-08-20. Review status: criteria provided, single submitter. Criteria: Invitae Variant Classification Sherloc (09022015). Collection method: clinical testing. Allele origin: germline.
Comment: This sequence change replaces threonine, which is neutral and polar, with asparagine, which is neutral and polar, at codon 227 of the SLC17A5 protein (p.Thr227Asn). This variant is not present in population databases (gnomAD no frequency). This variant has not been reported in the literature in individuals affected with SLC17A5-related conditions. Algorithms developed to predict the effect of missense changes on protein structure and function are either unavailable or do not agree on the potential impact of this missense change (SIFT: "Deleterious"; PolyPhen-2: "Benign"; Align-GVGD: "Class C0"). In summary, the available evidence is currently insufficient to determine the role of this variant in disease. Therefore, it has been classified as a Variant of Uncertain Significance.

NM_012434.5(SLC17A5):c.680C>A (p.Thr227Asn)

Gene: SLC17A5 (solute carrier family 17 member 5; minus strand). Cytogenetic location: 6q13.
Variant type: single nucleotide variant.
Coding change: c.680C>A on transcript NM_012434.5 (MANE Select); coding-DNA position 680, C replaced by A.
Protein change: p.Thr227Asn; replaces threonine 227 with asparagine.
Molecular consequence: missense variant. On other transcripts: intron variant (2).
Genome position (GRCh38, 1-based): chr6:73,636,641, G>T on the plus strand (C>A on the coding strand, the complement: SLC17A5 is on the minus strand). VCF-style: chr6-73636641-G-T. GRCh37 (hg19) VCF-style: chr6-74346364-G-T.
Other names: c.449C>A, p.Thr150Asn (NM_001382629.1); c.680C>A, p.Thr227Asn (NM_001382630.1, NM_001382633.1, NM_001382634.1); c.701C>A, p.Thr234Asn (NM_001382631.1); c.677C>A, p.Thr226Asn (NM_001382635.1); c.383-1141C>A (NM_001382636.1); c.614-1141C>A (NM_001382632.1); short protein forms T150N, T226N, T227N, T234N.
Identifiers: ClinVar variation 1933648 (VCV001933648.2), dbSNP rs2150113556, ClinGen allele CA364716470.